The following is an entry in ClinVar:

NM_022095.4(ZNF335):c.784C>T (p.Arg262Cys)

Gene: ZNF335 (zinc finger protein 335; minus strand). Cytogenetic location: 20q13.12.
Variant type: single nucleotide variant.
Coding change: c.784C>T on transcript NM_022095.4 (MANE Select); coding-DNA position 784, C replaced by T.
Protein change: p.Arg262Cys; replaces arginine 262 with cysteine.
Molecular consequence: missense variant.
Genome position (GRCh38, 1-based): chr20:45,967,764, G>A on the plus strand (C>T on the coding strand, the complement: ZNF335 is on the minus strand). VCF-style: chr20-45967764-G-A. GRCh37 (hg19) VCF-style: chr20-44596403-G-A.
Other names: c.784C>T (NM_022095.3); short protein forms R262C.
Identifiers: ClinVar variation 2083249 (VCV002083249.5), dbSNP rs183594188, ClinGen allele CA9885984.

ClinVar aggregate classification (germline): Uncertain significance. Review status: criteria provided, multiple submitters, no conflicts (2 of 4 stars). 2 submissions from 2 submitters: Uncertain significance (2). Last evaluated 2025-10-15.

Conditions:
Inborn genetic diseases. Identifiers: MedGen C0950123, MeSH D030342.

Allele frequency attached by ClinVar (database versions not stated): gnomAD 0.00004; TOPMed 0.00004; ESP Exome Variant Server 0.00008; ExAC 0.00009; 1000 Genomes Project 0.00060; 1000 Genomes Project 30x 0.00062.

Submissions (2):

Ambry Genetics
Classification: Uncertain significance for Inborn genetic diseases. Last evaluated: 2025-10-15. Review status: criteria provided, single submitter. Criteria: Ambry Variant Classification Scheme 2023. Collection method: clinical testing. Allele origin: germline.

Labcorp Genetics (formerly Invitae), Labcorp
Classification: Uncertain significance. Last evaluated: 2022-12-02. Review status: criteria provided, single submitter. Criteria: Invitae Variant Classification Sherloc (09022015). Collection method: clinical testing. Allele origin: germline.
Comment: This variant has not been reported in the literature in individuals affected with ZNF335-related conditions. Advanced modeling of protein sequence and biophysical properties (such as structural, functional, and spatial information, amino acid conservation, physicochemical variation, residue mobility, and thermodynamic stability) performed at Invitae indicates that this missense variant is not expected to disrupt ZNF335 protein function. This sequence change replaces arginine, which is basic and polar, with cysteine, which is neutral and slightly polar, at codon 262 of the ZNF335 protein (p.Arg262Cys). This variant is present in population databases (rs183594188, gnomAD 0.04%). In summary, the available evidence is currently insufficient to determine the role of this variant in disease. Therefore, it has been classified as a Variant of Uncertain Significance.